The following is an entry in ClinVar:

NM_005732.4(RAD50):c.2983_2985del (p.Glu995del)

Gene: RAD50 (RAD50 double strand break repair protein; plus strand). Cytogenetic location: 5q31.1.
Variant type: Deletion.
Coding change: c.2983_2985del on transcript NM_005732.4 (MANE Select); coding-DNA positions 2983 to 2985, 3 bases deleted (GAA; older notation c.2983_2985delGAA).
Protein change: p.Glu995del; deletes glutamic acid 995.
Molecular consequence: inframe deletion.
Genome position (GRCh38, 1-based): chr5:132,609,343-132,609,345, GAA deleted; deleting any 3 consecutive bases within chr5:132,609,341-132,609,345 gives the same sequence; the c. name uses the placement nearest the transcript's 3' end. VCF-style (leftmost placement, unchanged base first): chr5-132609340-AAAG-A. GRCh37 (hg19) VCF-style: chr5-131945032-AAAG-A.
Other names: short protein forms E995del.
Identifiers: ClinVar variation 1488044 (VCV001488044.8), dbSNP rs2149849876, ClinGen allele CA2573138997.
Genomic context (GRCh38, chr5:132,609,340, plus strand): 5'-TAGCAAAAAGAAACTGAACTTAATAAAGTAATAGCTCAACTAAGTGAATGCGAGAAACAC[AAAG>A]AAAAGATAAATGAAGATATGAGACTCATGAGACAAGATATTGATACACAGAAGGTAGGTC-3'

ClinVar aggregate classification (germline): Uncertain significance (1 of 4 stars; one submission).

Conditions:
Hereditary cancer-predisposing syndrome. Also called: Hereditary neoplastic syndrome; Neoplastic Syndromes, Hereditary; Hereditary Cancer Syndrome; Tumor predisposition. Identifiers: Orphanet 140162, MedGen C0027672, MeSH D009386, MONDO:0015356.

Submission:

Labcorp Genetics (formerly Invitae), Labcorp
Classification: Uncertain significance for Hereditary cancer-predisposing syndrome. Last evaluated: 2021-07-01. Review status: criteria provided, single submitter. Criteria: Invitae Variant Classification Sherloc (09022015). Collection method: clinical testing. Allele origin: germline.
Comment: This variant, c.2983_2985del, results in the deletion of 1 amino acid(s) of the RAD50 protein (p.Glu995del), but otherwise preserves the integrity of the reading frame. In summary, the available evidence is currently insufficient to determine the role of this variant in disease. Therefore, it has been classified as a Variant of Uncertain Significance. Experimental studies and prediction algorithms are not available or were not evaluated, and the functional significance of this variant is currently unknown. This variant has not been reported in the literature in individuals affected with RAD50-related conditions. This variant is not present in population databases (ExAC no frequency).